The following is an entry in ClinVar:

NM_001378030.1(CCDC78):c.492+1G>A

Gene: CCDC78 (coiled-coil domain containing 78; minus strand). Cytogenetic location: 16p13.3.
Variant type: single nucleotide variant.
Coding change: c.492+1G>A on transcript NM_001378030.1 (MANE Select); the canonical splice donor site of the intron after coding-DNA position 492, G replaced by A.
Molecular consequence: splice donor variant. On other transcripts: missense variant (1).
Genome position (GRCh38, 1-based): chr16:725,236, C>T on the plus strand (G>A on the coding strand, the complement: CCDC78 is on the minus strand). VCF-style: chr16-725236-C-T. GRCh37 (hg19) VCF-style: chr16-775236-C-T.
Other names: c.40G>A, p.Val14Met (NM_001378033.1); c.492+1G>A (NM_001378031.1, NM_001031737.3); short protein forms V14M.
Identifiers: ClinVar variation 265074 (VCV000265074.43), dbSNP rs138669350, ClinGen allele CA7789574.

ClinVar aggregate classification (germline): Conflicting classifications of pathogenicity. Review status: criteria provided, conflicting classifications (1 of 4 stars). 8 submissions from 8 submitters: Uncertain significance (1); Benign (2); Likely benign (4). 1 of the submissions does not count toward it. Last evaluated 2026-04-01.

Conditions:
CCDC78-related disorder. Also called: CCDC78-related condition.
Congenital myopathy with internal nuclei and atypical cores. Also called: Myopathy, centronuclear, 4. Identifiers: Orphanet 319160, MedGen C4707232, MONDO:0013890, OMIM 614807.
Primary ciliary dyskinesia. Also called: Ciliary dyskinesia. Identifiers: Orphanet 244, MedGen C0008780, MONDO:0016575, HP:0012265.

Allele frequency attached by ClinVar (database versions not stated): 1000 Genomes Project 30x 0.00109; TOPMed 0.00122; 1000 Genomes Project 0.00140; ESP Exome Variant Server 0.00154; gnomAD 0.00178 and 0.00180; gnomAD exomes 0.00229; ExAC 0.00243.

Submissions (20):

Department of Human Genetics, Hannover Medical School
Classification: Uncertain significance for Primary Ciliary Dyskinesia. Last evaluated: 2026-04-01. Review status: criteria provided, single submitter. Criteria: ACMG Guidelines, 2015. Collection method: research. Allele origin: germline. Affected: no.
Comment: Classification performed by HerediClassify using the following criteria:['PVS1_splicing_moderate: Transcript ENST00000345165 does not undergo NMD and reading frame is preserved. Protein length change of 0.04042553191489362 observed.', "PP4_moderate: The PICADAR socre of 7.0 exceeds threshold of 6 achieving 'moderate' evidence strength."]

Labcorp Genetics (formerly Invitae), Labcorp
Classification: Likely benign for Congenital myopathy with internal nuclei and atypical cores. Last evaluated: 2026-01-26. Review status: criteria provided, single submitter. Criteria: Invitae Variant Classification Sherloc (09022015). Collection method: clinical testing. Allele origin: germline.

Athena Diagnostics
Classification: Likely benign. Last evaluated: 2025-07-22. Review status: criteria provided, single submitter. Criteria: Athena Diagnostics Criteria. Collection method: clinical testing. Allele origin: unknown.
Comment: In the context of this gene, the nature of this variant on its own does not support pathogenicity. The frequency of this variant in the general population is higher than would generally be expected for pathogenic variants in this gene.

Blueprint Genetics
Classification: Likely benign. Last evaluated: 2024-11-11. Review status: criteria provided, single submitter. Criteria: ACMG Guidelines, 2015. Collection method: clinical testing. Allele origin: germline.

CeGaT Center for Human Genetics Tuebingen
Classification: Benign. Last evaluated: 2024-07-01. Review status: criteria provided, single submitter. Criteria: CeGaT Center For Human Genetics Tuebingen Variant Classification Criteria Version 2. Collection method: clinical testing. Allele origin: germline. Affected: yes. Observed: 2 variant alleles.
Comment: CCDC78: BS1, BS2

GeneDx
Classification: Benign. Last evaluated: 2019-09-04. Review status: criteria provided, single submitter. Criteria: GeneDx Variant Classification Process June 2021. Collection method: clinical testing. Allele origin: germline. Affected: yes.

Center for Pediatric Genomic Medicine, Children's Mercy Hospital and Clinics
Classification: Likely benign. Last evaluated: 2017-06-16. Review status: criteria provided, single submitter. Criteria: ACMG Guidelines, 2015. Collection method: clinical testing. Allele origin: germline.

PreventionGenetics, part of Exact Sciences
Classification: Likely benign for CCDC78-related condition. Last evaluated: 2019-03-13. Review status: no assertion criteria provided. Collection method: clinical testing. Allele origin: germline. Not counted in ClinVar's aggregate classification.
Comment: This variant is classified as likely benign based on ACMG/AMP sequence variant interpretation guidelines (Richards et al. 2015 PMID: 25741868, with internal and published modifications).

Dr. Peter K. Rogan Lab, Western University
No classification provided (evidence only). Condition: Malignant tumor of urinary bladder. Review status: no classification provided. Collection method: in vitro. Allele origin: not applicable. Functional consequence: retained intron. Not counted in ClinVar's aggregate classification.

Dr. Peter K. Rogan Lab, Western University
No classification provided (evidence only). Condition: Malignant tumor of urinary bladder. Review status: no classification provided. Collection method: in vitro. Allele origin: not applicable. Functional consequence: retained intron. Not counted in ClinVar's aggregate classification.

Dr. Peter K. Rogan Lab, Western University
No classification provided (evidence only). Condition: Clear cell carcinoma of kidney. Review status: no classification provided. Collection method: in vitro. Allele origin: not applicable. Functional consequence: retained intron. Not counted in ClinVar's aggregate classification.

Dr. Peter K. Rogan Lab, Western University
No classification provided (evidence only). Condition: Clear cell carcinoma of kidney. Review status: no classification provided. Collection method: in vitro. Allele origin: not applicable. Functional consequence: retained intron. Not counted in ClinVar's aggregate classification.

Dr. Peter K. Rogan Lab, Western University
No classification provided (evidence only). Condition: Lung cancer. Review status: no classification provided. Collection method: in vitro. Allele origin: not applicable. Functional consequence: retained intron. Not counted in ClinVar's aggregate classification.

Dr. Peter K. Rogan Lab, Western University
No classification provided (evidence only). Condition: Melanoma. Review status: no classification provided. Collection method: in vitro. Allele origin: not applicable. Functional consequence: retained intron. Not counted in ClinVar's aggregate classification.

Dr. Peter K. Rogan Lab, Western University
No classification provided (evidence only). Condition: Familial cancer of breast. Review status: no classification provided. Collection method: in vitro. Allele origin: not applicable. Functional consequence: retained intron. Not counted in ClinVar's aggregate classification.

Dr. Peter K. Rogan Lab, Western University
No classification provided (evidence only). Condition: Colon adenocarcinoma. Review status: no classification provided. Collection method: in vitro. Allele origin: not applicable. Functional consequence: retained intron. Not counted in ClinVar's aggregate classification.

Dr. Peter K. Rogan Lab, Western University
No classification provided (evidence only). Condition: Thyroid cancer, nonmedullary, 1. Review status: no classification provided. Collection method: in vitro. Allele origin: not applicable. Functional consequence: retained intron. Not counted in ClinVar's aggregate classification.

Dr. Peter K. Rogan Lab, Western University
No classification provided (evidence only). Condition: Cervical cancer. Review status: no classification provided. Collection method: in vitro. Allele origin: not applicable. Functional consequence: retained intron. Not counted in ClinVar's aggregate classification.

Dr. Peter K. Rogan Lab, Western University
No classification provided (evidence only). Condition: Nonpapillary renal cell carcinoma. Review status: no classification provided. Collection method: in vitro. Allele origin: not applicable. Functional consequence: retained intron. Not counted in ClinVar's aggregate classification.

Dr. Peter K. Rogan Lab, Western University
No classification provided (evidence only). Condition: Gastric cancer. Review status: no classification provided. Collection method: in vitro. Allele origin: not applicable. Functional consequence: retained intron. Not counted in ClinVar's aggregate classification.